The following is an entry in ClinVar:

ClinVar aggregate classification (germline): Uncertain significance (1 of 4 stars; one submission).

Conditions:
Autosomal dominant limb-girdle muscular dystrophy type 1G (LGMDD3). Also called: Limb-girdle muscular dystrophy, type 1G; MUSCULAR DYSTROPHY, LIMB-GIRDLE, AUTOSOMAL DOMINANT 3. Identifiers: Orphanet 55596, MedGen C1836765, MONDO:0012193, OMIM 609115.

gnomAD v4.1: 15 of 1,613,668 alleles (0.00093%); highest among the groups gnomAD compares: Middle Eastern, 0.017%; no homozygotes.

Submission:

Labcorp Genetics (formerly Invitae), Labcorp
Classification: Uncertain significance for Autosomal dominant limb-girdle muscular dystrophy type 1G. Last evaluated: 2024-02-02. Review status: criteria provided, single submitter. Criteria: Invitae Variant Classification Sherloc (09022015). Collection method: clinical testing. Allele origin: germline.
Comment: This sequence change replaces proline, which is neutral and non-polar, with leucine, which is neutral and non-polar, at codon 112 of the HNRNPDL protein (p.Pro112Leu). This variant is present in population databases (no rsID available, gnomAD 0.01%). This variant has not been reported in the literature in individuals affected with HNRNPDL-related conditions. Algorithms developed to predict the effect of missense changes on protein structure and function output the following: SIFT: "Not Available"; PolyPhen-2: "Benign"; Align-GVGD: "Not Available". The leucine amino acid residue is found in multiple mammalian species, which suggests that this missense change does not adversely affect protein function. In summary, the available evidence is currently insufficient to determine the role of this variant in disease. Therefore, it has been classified as a Variant of Uncertain Significance.

NM_031372.4(HNRNPDL):c.335C>T (p.Pro112Leu)

Gene: HNRNPDL (heterogeneous nuclear ribonucleoprotein D like; minus strand). Cytogenetic location: 4q21.22.
Variant type: single nucleotide variant.
Coding change: c.335C>T on transcript NM_031372.4 (MANE Select); coding-DNA position 335, C replaced by T.
Protein change: p.Pro112Leu; replaces proline 112 with leucine.
Molecular consequence: missense variant. On other transcripts: non-coding transcript variant (1).
Genome position (GRCh38, 1-based): chr4:82,429,356, G>A on the plus strand (C>T on the coding strand, the complement: HNRNPDL is on the minus strand). VCF-style: chr4-82429356-G-A. GRCh37 (hg19) VCF-style: chr4-83350509-G-A.
Other names: c.335C>T, p.Pro112Leu (NM_001207000.1); short protein forms P112L.
Identifiers: ClinVar variation 3703740 (VCV003703740.2).